The following is an entry in ClinVar:

ClinVar aggregate classification (germline): Conflicting classifications of pathogenicity. Review status: criteria provided, conflicting classifications (1 of 4 stars). 3 submissions from 3 submitters: Uncertain significance (2); Likely benign (1). Last evaluated 2025-06-18.

Conditions:
Cardiovascular phenotype. Identifiers: MedGen CN230736.
Primary dilated cardiomyopathy (DCM). Also called: Dilated Cardiomyopathy. Identifiers: Orphanet 217604, MedGen C0007193, MeSH D002311, MONDO:0005021, HP:0001644. Inheritance: Various modes of inheritance.

Allele frequency attached by ClinVar (database versions not stated): ExAC 0.00002; gnomAD exomes 0.00003; gnomAD 0.00004 and 0.00005; TOPMed 0.00005.
gnomAD v4.1: 44 of 1,613,396 alleles (0.0027%); highest among the groups gnomAD compares: Middle Eastern, 0.084%; no homozygotes.

Submissions (3):

Ambry Genetics
Classification: Likely benign for Cardiovascular phenotype. Last evaluated: 2025-06-18. Review status: criteria provided, single submitter. Criteria: Ambry Variant Classification Scheme 2023. Collection method: clinical testing. Allele origin: germline.

Labcorp Genetics (formerly Invitae), Labcorp
Classification: Uncertain significance for Primary dilated cardiomyopathy. Last evaluated: 2025-03-24. Review status: criteria provided, single submitter. Criteria: Invitae Variant Classification Sherloc (09022015). Collection method: clinical testing. Allele origin: germline.
Comment: This sequence change replaces glutamic acid, which is acidic and polar, with lysine, which is basic and polar, at codon 199 of the TXNRD2 protein (p.Glu199Lys). This variant is present in population databases (rs763888077, gnomAD 0.01%). This missense change has been observed in individual(s) with dilated cardiomyopathy (PMID: 31983221). ClinVar contains an entry for this variant (Variation ID: 953210). Invitae Evidence Modeling of protein sequence and biophysical properties (such as structural, functional, and spatial information, amino acid conservation, physicochemical variation, residue mobility, and thermodynamic stability) indicates that this missense variant is not expected to disrupt TXNRD2 protein function with a negative predictive value of 80%. In summary, the available evidence is currently insufficient to determine the role of this variant in disease. Therefore, it has been classified as a Variant of Uncertain Significance.

GeneDx
Classification: Uncertain significance. Last evaluated: 2024-07-15. Review status: criteria provided, single submitter. Criteria: GeneDx Variant Classification Process June 2021. Collection method: clinical testing. Allele origin: germline. Affected: yes.
Comment: Identified in a patient with DCM in published literature (PMID: 31983221); In silico analysis indicates that this missense variant does not alter protein structure/function; This variant is associated with the following publications: (PMID: 31983221)

Literature cited by the submitters: PubMed 31983221 (cited by Labcorp Genetics (formerly Invitae), Labcorp).

NM_006440.5(TXNRD2):c.595G>A (p.Glu199Lys)

Gene: TXNRD2 (thioredoxin reductase 2; minus strand). Cytogenetic location: 22q11.21.
Variant type: single nucleotide variant.
Coding change: c.595G>A on transcript NM_006440.5 (MANE Select); coding-DNA position 595, G replaced by A.
Protein change: p.Glu199Lys; replaces glutamic acid 199 with lysine.
Molecular consequence: missense variant. On other transcripts: non-coding transcript variant (1).
Genome position (GRCh38, 1-based): chr22:19,911,444, C>T on the plus strand (G>A on the coding strand, the complement: TXNRD2 is on the minus strand). VCF-style: chr22-19911444-C-T. GRCh37 (hg19) VCF-style: chr22-19898967-C-T.
Other names: c.595G>A, p.Glu199Lys (NM_001282512.3); c.592G>A, p.Glu198Lys (NM_001352300.2); c.505G>A, p.Glu169Lys (NM_001352301.2); c.307G>A, p.Glu103Lys (NM_001352302.2); c.499G>A, p.Glu167Lys (NM_001352303.2); short protein forms E199K, E103K, E167K, E169K, E198K.
Identifiers: ClinVar variation 953210 (VCV000953210.13), dbSNP rs763888077, ClinGen allele CA10104088.